The following is an entry in ClinVar:

NM_002474.3(MYH11):c.3092A>T (p.Lys1031Met)

Gene: MYH11 (myosin heavy chain 11; minus strand). Cytogenetic location: 16p13.11.
Variant type: single nucleotide variant.
Coding change: c.3092A>T on transcript NM_002474.3 (MANE Select); coding-DNA position 3092, A replaced by T.
Protein change: p.Lys1031Met; replaces lysine 1031 with methionine.
Molecular consequence: missense variant.
Genome position (GRCh38, 1-based): chr16:15,738,594, T>A on the plus strand (A>T on the coding strand, the complement: MYH11 is on the minus strand). VCF-style: chr16-15738594-T-A. GRCh37 (hg19) VCF-style: chr16-15832451-T-A.
Other names: c.3113A>T, p.Lys1038Met (NM_001040113.2, NM_001040114.2); c.3092A>T, p.Lys1031Met (NM_022844.3); short protein forms K1031M, K1038M.
Identifiers: ClinVar variation 2769491 (VCV002769491.3), dbSNP rs2506191671, ClinGen allele CA394863686.
Genomic context (GRCh38, chr16:15,738,594, plus strand): 5'-ATAAAAATAAATCTCTTGGTAGCTGGTTTACCTTCCAGTTCTGAAATCATAGATTCATGC[T>A]TGTTTTTCAGCTTGGTAAGATTCTTGGCCTTTTCTTCCTCTTCTGCAAGATTTGTCGTTA-3'
Protein context (NP_002465.1, residues 1021-1041): KAKNLTKLKN[Lys1031Met]HESMISELEV

ClinVar aggregate classification (germline): Uncertain significance (1 of 4 stars; one submission).

Conditions:
Aortic aneurysm, familial thoracic 4 (AAT4). Also called: AORTIC ANEURYSM/AORTIC DISSECTION AND PATENT DUCTUS ARTERIOSUS. Identifiers: MedGen C1851504, MONDO:0007568, OMIM 132900.

Submission:

Labcorp Genetics (formerly Invitae), Labcorp
Classification: Uncertain significance for Aortic aneurysm, familial thoracic 4. Last evaluated: 2023-10-17. Review status: criteria provided, single submitter. Criteria: Invitae Variant Classification Sherloc (09022015). Collection method: clinical testing. Allele origin: germline.
Comment: This sequence change replaces lysine, which is basic and polar, with methionine, which is neutral and non-polar, at codon 1038 of the MYH11 protein (p.Lys1038Met). This variant is not present in population databases (gnomAD no frequency). This variant has not been reported in the literature in individuals affected with MYH11-related conditions. Advanced modeling of protein sequence and biophysical properties (such as structural, functional, and spatial information, amino acid conservation, physicochemical variation, residue mobility, and thermodynamic stability) has been performed at Invitae for this missense variant, however the output from this modeling did not meet the statistical confidence thresholds required to predict the impact of this variant on MYH11 protein function. In summary, the available evidence is currently insufficient to determine the role of this variant in disease. Therefore, it has been classified as a Variant of Uncertain Significance.